The following is an entry in ClinVar:

NM_005475.3(SH2B3):c.904C>T (p.Leu302Phe)

Gene: SH2B3 (SH2B adaptor protein 3; plus strand). Cytogenetic location: 12q24.12.
Variant type: single nucleotide variant.
Coding change: c.904C>T on transcript NM_005475.3 (MANE Select); coding-DNA position 904, C replaced by T.
Protein change: p.Leu302Phe; replaces leucine 302 with phenylalanine.
Molecular consequence: missense variant.
Genome position (GRCh38, 1-based): chr12:111,447,011, C>T. VCF-style: chr12-111447011-C-T. GRCh37 (hg19) VCF-style: chr12-111884815-C-T.
Other names: c.298C>T, p.Leu100Phe (NM_001291424.1); short protein forms L100F, L302F.
Identifiers: ClinVar variation 2634485 (VCV002634485.1), dbSNP rs531965947, ClinGen allele CA6789773.

ClinVar aggregate classification (germline): Uncertain significance (1 of 4 stars; one submission).

Conditions:
SH2B3-related disorder. Also called: SH2B3-related condition.

Allele frequency attached by ClinVar (database versions not stated): TOPMed 0.00001; gnomAD 0.00002; gnomAD exomes 0.00003; ExAC 0.00005; 1000 Genomes Project 30x 0.00016; 1000 Genomes Project 0.00020.
gnomAD v4.1: 51 of 1,614,042 alleles (0.0032%); highest among the groups gnomAD compares: South Asian, 0.022%; no homozygotes.

Submission:

PreventionGenetics, part of Exact Sciences
Classification: Uncertain significance for SH2B3-related condition. Last evaluated: 2023-09-11. Review status: criteria provided, single submitter. Criteria: ACMG Guidelines, 2015. Collection method: clinical testing. Allele origin: germline.
Comment: The SH2B3 c.904C>T variant is predicted to result in the amino acid substitution p.Leu302Phe. To our knowledge, this variant has not been reported in the literature. This variant is reported in 0.020% of alleles in individuals of South Asian descent in gnomAD. At this time, the clinical significance of this variant is uncertain due to the absence of conclusive functional and genetic evidence.